The following is an entry in ClinVar:

NM_000836.4(GRIN2D):c.1162G>A (p.Val388Met)

Gene: GRIN2D (glutamate ionotropic receptor NMDA type subunit 2D; plus strand). Cytogenetic location: 19q13.33.
Variant type: single nucleotide variant.
Coding change: c.1162G>A on transcript NM_000836.4 (MANE Select); coding-DNA position 1162, G replaced by A.
Protein change: p.Val388Met; replaces valine 388 with methionine.
Molecular consequence: missense variant.
Genome position (GRCh38, 1-based): chr19:48,414,067, G>A. VCF-style: chr19-48414067-G-A. GRCh37 (hg19) VCF-style: chr19-48917324-G-A.
Other names: short protein forms V388M.
Identifiers: ClinVar variation 3676773 (VCV003676773.2).

ClinVar aggregate classification (germline): Uncertain significance (1 of 4 stars; one submission).

Submission:

Labcorp Genetics (formerly Invitae), Labcorp
Classification: Uncertain significance. Last evaluated: 2024-04-16. Review status: criteria provided, single submitter. Criteria: Invitae Variant Classification Sherloc (09022015). Collection method: clinical testing. Allele origin: germline.
Comment: This sequence change replaces valine, which is neutral and non-polar, with methionine, which is neutral and non-polar, at codon 388 of the GRIN2D protein (p.Val388Met). This variant is present in population databases (rs374787165, gnomAD 0.002%). This variant has not been reported in the literature in individuals affected with GRIN2D-related conditions. Advanced modeling of protein sequence and biophysical properties (such as structural, functional, and spatial information, amino acid conservation, physicochemical variation, residue mobility, and thermodynamic stability) performed at Invitae indicates that this missense variant is not expected to disrupt GRIN2D protein function with a negative predictive value of 80%. In summary, the available evidence is currently insufficient to determine the role of this variant in disease. Therefore, it has been classified as a Variant of Uncertain Significance.